The following is an entry in ClinVar:

ClinVar aggregate classification (germline): Uncertain significance (1 of 4 stars; one submission).

Conditions:
Dilated Cardiomyopathy, Recessive.

Submission:

Labcorp Genetics (formerly Invitae), Labcorp
Classification: Uncertain significance. Last evaluated: 2024-01-25. Review status: criteria provided, single submitter. Criteria: Invitae Variant Classification Sherloc (09022015). Collection method: clinical testing. Allele origin: germline.
Comment: This variant results in a copy number gain of the genomic region encompassing exon(s) 2-20 of the PLEKHM2 gene. This region includes the termination codon of the gene. This copy number gain extends beyond the assayed region for this gene and therefore may encompass additional genes. As the precise location of this event is unknown, it may be in tandem or it may be located elsewhere in the genome. This variant has not been reported in the literature in individuals affected with PLEKHM2-related conditions. Experimental studies and prediction algorithms are not available or were not evaluated, and the functional significance of this variant is currently unknown. In summary, the available evidence is currently insufficient to determine the role of this variant in disease. Therefore, it has been classified as a Variant of Uncertain Significance.

NC_000001.10:g.(?_16042712)_(16060429_?)dup

Gene: PLEKHM2 (pleckstrin homology and RUN domain containing M2; plus strand). Cytogenetic location: 1p36.21.
Variant type: Duplication.
Identifiers: ClinVar variation 1411917 (VCV001411917.7).